The following is an entry in ClinVar:

ClinVar aggregate classification (germline): Uncertain significance (1 of 4 stars; one submission).

Submission:

GeneDx
Classification: Uncertain significance. Last evaluated: 2024-02-28. Review status: criteria provided, single submitter. Criteria: GeneDx Variant Classification Process June 2021. Collection method: clinical testing. Allele origin: germline. Affected: yes.
Comment: Not observed at significant frequency in large population cohorts (gnomAD); In silico analysis supports that this missense variant does not alter protein structure/function; Has not been previously published as pathogenic or benign to our knowledge; This variant is associated with the following publications: (PMID: 12938084)

NM_000138.5(FBN1):c.998C>G (p.Pro333Arg)

Genes: FBN1 (fibrillin 1; minus strand), LOC113939944 (Sharpr-MPRA regulatory region 9539; plus strand). Cytogenetic location: 15q21.1.
Variant type: single nucleotide variant.
Coding change: c.998C>G on transcript NM_000138.5 (MANE Select); coding-DNA position 998, C replaced by G.
Protein change: p.Pro333Arg; replaces proline 333 with arginine.
Molecular consequence: missense variant.
Genome position (GRCh38, 1-based): chr15:48,520,808, G>C on the plus strand (C>G on the coding strand, the complement: FBN1 is on the minus strand). VCF-style: chr15-48520808-G-C. GRCh37 (hg19) VCF-style: chr15-48813005-G-C.
Other names: c.998C>G, p.Pro333Arg (NM_001406716.1); short protein forms P333R.
Identifiers: ClinVar variation 3369921 (VCV003369921.1).
Genomic context (GRCh38, chr15:48,520,808, plus strand): 5'-ATGGACTGTGGCAGCTGGTTAGAGCAGCGCCCGTTTGTCAGAGCTGTGTAACAGTATCCT[G>C]GGCGAACATCTGAGGACAAAGAAACACATACACACACACACATCGCTGAGATAATACTTG-3'
Protein context (NP_000129.3, residues 323-343): PDGTRCIDVR[Pro333Arg]GYCYTALTNG